The following is an entry in ClinVar:

NM_007327.4(GRIN1):c.1865-3C>T

Gene: GRIN1 (glutamate ionotropic receptor NMDA type subunit 1; plus strand). Cytogenetic location: 9q34.3.
Variant type: single nucleotide variant.
Coding change: c.1865-3C>T on transcript NM_007327.4 (MANE Select); 3 bases into the intron before coding-DNA position 1865, C replaced by T.
Molecular consequence: intron variant.
Genome position (GRCh38, 1-based): chr9:137,162,588, C>T. VCF-style: chr9-137162588-C-T. GRCh37 (hg19) VCF-style: chr9-140057040-C-T.
Other names: c.1928-3C>T (NM_001185090.2, NM_001185091.2); c.1865-3C>T (NM_021569.4, NM_000832.7).
Identifiers: ClinVar variation 3649679 (VCV003649679.2).

ClinVar aggregate classification (germline): Uncertain significance (1 of 4 stars; one submission).

Conditions:
Neurodevelopmental disorder with or without hyperkinetic movements and seizures, autosomal dominant. Also called: Intellectual disability, autosomal dominant 8. Identifiers: MedGen C3280282, MONDO:0013655, OMIM 614254.

Submission:

Labcorp Genetics (formerly Invitae), Labcorp
Classification: Uncertain significance for Neurodevelopmental disorder with or without hyperkinetic movements and seizures, autosomal dominant. Last evaluated: 2025-08-31. Review status: criteria provided, single submitter. Criteria: Invitae Variant Classification Sherloc (09022015). Collection method: clinical testing. Allele origin: germline.
Comment: This sequence change falls in intron 13 of the GRIN1 gene. It does not directly change the encoded amino acid sequence of the GRIN1 protein. It affects a nucleotide within the consensus splice site. This variant is not present in population databases (gnomAD no frequency). This variant has not been reported in the literature in individuals affected with GRIN1-related conditions. ClinVar contains an entry for this variant (Variation ID: 3649679). Variants that disrupt the consensus splice site are a relatively common cause of aberrant splicing (PMID: 17576681, 9536098). Algorithms developed to predict the effect of sequence changes on RNA splicing suggest that this variant is not likely to affect RNA splicing. In summary, the available evidence is currently insufficient to determine the role of this variant in disease. Therefore, it has been classified as a Variant of Uncertain Significance.

Literature cited by the submitters: PubMed 17576681; PubMed 9536098.